The following is an entry in ClinVar:

ClinVar aggregate classification (germline): Likely benign. Review status: criteria provided, multiple submitters, no conflicts (2 of 4 stars). 3 submissions from 3 submitters: Likely benign (3). Last evaluated 2026-07-01.

Conditions:
Cardiovascular phenotype. Identifiers: MedGen CN230736.
Cardiac arrhythmia. Also called: Arrhythmia; Cardiac rhythm disease. Identifiers: MedGen C0003811, MONDO:0007263, HP:0011675.

Allele frequency attached by ClinVar (database versions not stated): gnomAD exomes below 0.00001.
gnomAD v4.1: 1 of 1,614,238 alleles (0.000062%); highest among the groups gnomAD compares: Non-Finnish European, 0.000085%; no homozygotes.

Submissions (3):

CeGaT Center for Human Genetics Tuebingen
Classification: Likely benign. Last evaluated: 2026-07-01. Review status: criteria provided, single submitter. Criteria: CeGaT Center For Human Genetics Tuebingen Variant Classification Criteria Version 2. Collection method: clinical testing. Allele origin: germline. Affected: yes. Observed: 1 variant allele.
Comment: KCNH2: BP4, BP7

Ambry Genetics
Classification: Likely benign for Cardiovascular phenotype. Last evaluated: 2025-12-01. Review status: criteria provided, single submitter. Criteria: Ambry Variant Classification Scheme 2023. Collection method: clinical testing. Allele origin: germline.

Color Diagnostics, LLC DBA Color Health
Classification: Likely benign for Cardiac arrhythmia. Last evaluated: 2021-12-15. Review status: criteria provided, single submitter. Criteria: ACMG Guidelines, 2015. Collection method: clinical testing. Allele origin: germline.

NM_000238.4(KCNH2):c.1878C>T (p.Gly626=)

Gene: KCNH2 (potassium voltage-gated channel subfamily H member 2; minus strand). Cytogenetic location: 7q36.1.
Variant type: single nucleotide variant.
Coding change: c.1878C>T on transcript NM_000238.4 (MANE Select); coding-DNA position 1878, C replaced by T.
Protein change: p.Gly626=; no amino-acid change (glycine 626 retained).
Molecular consequence: synonymous variant. On other transcripts: non-coding transcript variant (2).
Genome position (GRCh38, 1-based): chr7:150,951,515, G>A on the plus strand (C>T on the coding strand, the complement: KCNH2 is on the minus strand). VCF-style: chr7-150951515-G-A. GRCh37 (hg19) VCF-style: chr7-150648603-G-A.
Other names: c.858C>T, p.Gly286= (NM_001204798.2, NM_172057.3); c.1590C>T, p.Gly530= (NM_001406753.1, NM_001406756.1); c.1701C>T, p.Gly567= (NM_001406755.1); c.1578C>T, p.Gly526= (NM_001406757.1); c.1878C>T, p.Gly626= (NM_172056.3).
Identifiers: ClinVar variation 2773444 (VCV002773444.4), dbSNP rs2486036479, ClinGen allele CA070790.